The following is an entry in ClinVar:

NM_001035.3(RYR2):c.5363A>C (p.Lys1788Thr)

Gene: RYR2 (ryanodine receptor 2; plus strand). Cytogenetic location: 1q43.
Variant type: single nucleotide variant.
Coding change: c.5363A>C on transcript NM_001035.3 (MANE Select); coding-DNA position 5363, A replaced by C.
Protein change: p.Lys1788Thr; replaces lysine 1788 with threonine.
Molecular consequence: missense variant.
Genome position (GRCh38, 1-based): chr1:237,614,491, A>C. VCF-style: chr1-237614491-A-C. GRCh37 (hg19) VCF-style: chr1-237777791-A-C.
Other names: c.5363A>C (NM_001035.2); short protein forms K1788T.
Identifiers: ClinVar variation 922601 (VCV000922601.18), dbSNP rs779637196, ClinGen allele CA086876.
Genomic context (GRCh38, chr1:237,614,491, plus strand): 5'-TTGTAAGCATTAGTAATGAATGTTACCAGTACAGTCCAGAGTTCCCACTGGACATCCTCA[A>C]GTCCAAAACCATACAGATGCTGACAGAAGCTGTTAAAGAGGGCAGTCTTCATGCCCGGGA-3'
Protein context (NP_001026.2, residues 1778-1798): YSPEFPLDIL[Lys1788Thr]SKTIQMLTEA

ClinVar aggregate classification (germline): Uncertain significance. Review status: criteria provided, multiple submitters, no conflicts (2 of 4 stars). 5 submissions from 5 submitters: Uncertain significance (5). Last evaluated 2024-10-24.

Conditions:
Catecholaminergic polymorphic ventricular tachycardia 1. Also called: VENTRICULAR TACHYCARDIA, CATECHOLAMINERGIC POLYMORPHIC, 1, WITH OR WITHOUT ATRIAL DYSFUNCTION AND/OR DILATED CARDIOMYOPATHY; RYR2-Related Catecholaminergic Polymorphic Ventricular Tachycardia; VENTRICULAR TACHYCARDIA, STRESS-INDUCED POLYMORPHIC 1. Identifiers: Orphanet 3286, MedGen C1631597, MONDO:0011484, OMIM 604772.
Cardiovascular phenotype. Identifiers: MedGen CN230736.
Catecholaminergic polymorphic ventricular tachycardia (CVPT). Also called: Catecholamine-induced polymorphic ventricular tachycardia. Identifiers: Orphanet 3286, MedGen C5574922, MONDO:0017990.
Cardiomyopathy (CMYO). Also called: Cardiomyopathies. Identifiers: Orphanet 167848, MedGen C0878544, MONDO:0004994, HP:0001638. Inheritance: Various modes of inheritance.

Allele frequency attached by ClinVar (database versions not stated): gnomAD 0.00001; gnomAD exomes 0.00001; ExAC 0.00002.
gnomAD v4.1: 11 of 1,613,946 alleles (0.00068%); highest among the groups gnomAD compares: Non-Finnish European, 0.00093%; no homozygotes.

Submissions (5):

Labcorp Genetics (formerly Invitae), Labcorp
Classification: Uncertain significance for Catecholaminergic polymorphic ventricular tachycardia 1. Last evaluated: 2024-10-24. Review status: criteria provided, single submitter. Criteria: Invitae Variant Classification Sherloc (09022015). Collection method: clinical testing. Allele origin: germline.
Comment: This sequence change replaces lysine, which is basic and polar, with threonine, which is neutral and polar, at codon 1788 of the RYR2 protein (p.Lys1788Thr). This variant is present in population databases (rs779637196, gnomAD 0.003%). This variant has not been reported in the literature in individuals affected with RYR2-related conditions. ClinVar contains an entry for this variant (Variation ID: 922601). Invitae Evidence Modeling of protein sequence and biophysical properties (such as structural, functional, and spatial information, amino acid conservation, physicochemical variation, residue mobility, and thermodynamic stability) indicates that this missense variant is not expected to disrupt RYR2 protein function with a negative predictive value of 95%. In summary, the available evidence is currently insufficient to determine the role of this variant in disease. Therefore, it has been classified as a Variant of Uncertain Significance.

All of Us Research Program, National Institutes of Health
Classification: Uncertain significance for Catecholaminergic polymorphic ventricular tachycardia. Last evaluated: 2024-06-11. Review status: criteria provided, single submitter. Criteria: ACMG Guidelines, 2015. Collection method: clinical testing. Allele origin: germline. Inheritance: Autosomal dominant inheritance. Observed: 6 variant alleles, 6 heterozygotes.
Comment: This missense variant replaces lysine with threonine at codon 1788 of the RYR2 protein. Computational prediction suggests that this variant may have deleterious impact on protein structure and function (internally defined REVEL score threshold >= 0.7, PMID: 27666373). Splice site prediction tools suggest that this variant may not impact RNA splicing. To our knowledge, functional studies have not been reported for this variant. This variant has not been reported in individuals affected with cardiovascular disorders in the literature. This variant has been identified in 4/280394 chromosomes in the general population by the Genome Aggregation Database (gnomAD). The available evidence is insufficient to determine the role of this variant in disease conclusively. Therefore, this variant is classified as a Variant of Uncertain Significance.

This study involves interpretation of variants in research participants for the purpose of population health screening. Participant phenotype was not available at the time of variant classification. Additional details can be found in publication PMID: 35346344, PMCID: PMC8962531

Color Diagnostics, LLC DBA Color Health
Classification: Uncertain significance for Cardiomyopathy. Last evaluated: 2024-03-06. Review status: criteria provided, single submitter. Criteria: ACMG Guidelines, 2015. Collection method: clinical testing. Allele origin: germline.
Comment: This variant is located in the RYR2 protein. Computational prediction suggests that this variant may have deleterious impact on protein structure and function (internally defined REVEL score threshold >= 0.7, PMID: 27666373). To our knowledge, functional studies have not been reported for this variant. This variant has not been reported in individuals affected with RYR2-related disorders in the literature. This variant has been identified in 4/280394 chromosomes in the general population by the Genome Aggregation Database (gnomAD). The available evidence is insufficient to determine the role of this variant in disease conclusively. Therefore, this variant is classified as a Variant of Uncertain Significance.

GeneDx
Classification: Uncertain significance. Last evaluated: 2023-11-16. Review status: criteria provided, single submitter. Criteria: GeneDx Variant Classification Process June 2021. Collection method: clinical testing. Allele origin: germline. Affected: yes.
Comment: Not observed at significant frequency in large population cohorts (gnomAD); In silico analysis supports that this missense variant has a deleterious effect on protein structure/function; Has not been previously published as pathogenic or benign to our knowledge; Not located in one of the three hot-spot regions of the RYR2 gene, where the majority of pathogenic missense variants occur (PMID: 19926015); This variant is associated with the following publications: (PMID: 19926015)

Ambry Genetics
Classification: Uncertain significance for Cardiovascular phenotype. Last evaluated: 2021-04-29. Review status: criteria provided, single submitter. Criteria: Ambry Variant Classification Scheme 2023. Collection method: clinical testing. Allele origin: germline.
Comment: The p.K1788T variant (also known as c.5363A>C), located in coding exon 37 of the RYR2 gene, results from an A to C substitution at nucleotide position 5363. The lysine at codon 1788 is replaced by threonine, an amino acid with similar properties. This amino acid position is highly conserved in available vertebrate species. In addition, the in silico prediction for this alteration is inconclusive. Since supporting evidence is limited at this time, the clinical significance of this alteration remains unclear.